The following is an entry in ClinVar:

NM_004415.4(DSP):c.2047G>A (p.Glu683Lys)

Gene: DSP (desmoplakin; plus strand). Cytogenetic location: 6p24.3.
Variant type: single nucleotide variant.
Coding change: c.2047G>A on transcript NM_004415.4 (MANE Select); coding-DNA position 2047, G replaced by A.
Protein change: p.Glu683Lys; replaces glutamic acid 683 with lysine.
Molecular consequence: missense variant.
Genome position (GRCh38, 1-based): chr6:7,571,985, G>A. VCF-style: chr6-7571985-G-A. GRCh37 (hg19) VCF-style: chr6-7572218-G-A.
Other names: c.2047G>A, p.Glu683Lys (NM_001008844.3, NM_001319034.2); c.2047G>A (LRG_423t1); short protein forms E683K.
Identifiers: ClinVar variation 222574 (VCV000222574.20), dbSNP rs775181391, ClinGen allele CA031498.

ClinVar aggregate classification (germline): Conflicting classifications of pathogenicity. Review status: criteria provided, conflicting classifications (1 of 4 stars). 5 submissions from 5 submitters: Uncertain significance (4); Likely benign (1). Last evaluated 2025-08-10.

Conditions:
Cardiomyopathy (CMYO). Also called: Cardiomyopathies. Identifiers: Orphanet 167848, MedGen C0878544, MONDO:0004994, HP:0001638. Inheritance: Various modes of inheritance.
Arrhythmogenic cardiomyopathy with wooly hair and keratoderma. Also called: Carvajal syndrome; Dilated cardiomyopathy with woolly hair and keratoderma; Arrhythmogenic cardiomyopathy with woolly hair and keratoderma; PALMOPLANTAR KERATODERMA WITH LEFT VENTRICULAR CARDIOMYOPATHY AND WOOLLY HAIR. Identifiers: Orphanet 65282, MedGen C1854063, MONDO:0011581, OMIM 605676.
Cardiovascular phenotype. Identifiers: MedGen CN230736.
Arrhythmogenic right ventricular dysplasia 8 (ARVD8). Also called: Arrhythmogenic Right Ventricular Dysplasia/Cardiomyopathy 8; ARRHYTHMOGENIC RIGHT VENTRICULAR DYSPLASIA, FAMILIAL, 8; ARRHYTHMOGENIC RIGHT VENTRICULAR CARDIOMYOPATHY 8. Identifiers: MedGen C1843896, MONDO:0011831, OMIM 607450.

Allele frequency attached by ClinVar (database versions not stated): ExAC 0.00002; gnomAD exomes 0.00002; gnomAD 0.00003; TOPMed 0.00003.
gnomAD v4.1: 22 of 1,614,066 alleles (0.0014%); highest among the groups gnomAD compares: South Asian, 0.0088%; no homozygotes.

Submissions (5):

Labcorp Genetics (formerly Invitae), Labcorp
Classification: Likely benign for Arrhythmogenic cardiomyopathy with wooly hair and keratoderma; Arrhythmogenic right ventricular dysplasia 8. Last evaluated: 2025-08-10. Review status: criteria provided, single submitter. Criteria: Invitae Variant Classification Sherloc (09022015). Collection method: clinical testing. Allele origin: germline.

Color Diagnostics, LLC DBA Color Health
Classification: Uncertain significance for Cardiomyopathy. Last evaluated: 2025-06-03. Review status: criteria provided, single submitter. Criteria: ACMG Guidelines, 2015. Collection method: clinical testing. Allele origin: germline.
Comment: This missense variant replaces glutamic acid with lysine at codon 683 of the DSP protein. Computational prediction tool is inconclusive regarding the impact of this variant on protein structure and function. To our knowledge, functional studies have not been reported for this variant. This variant has not been reported in individuals affected with DSP-related disorders in the literature. This variant has been identified in 4/251168 chromosomes in the general population by the Genome Aggregation Database (gnomAD). The available evidence is insufficient to determine the role of this variant in disease conclusively. Therefore, this variant is classified as a Variant of Uncertain Significance.

All of Us Research Program, National Institutes of Health
Classification: Uncertain significance for Arrhythmogenic cardiomyopathy with wooly hair and keratoderma. Last evaluated: 2023-12-18. Review status: criteria provided, single submitter. Criteria: ACMG Guidelines, 2015. Collection method: clinical testing. Allele origin: germline. Inheritance: Autosomal dominant inheritance. Observed: 5 variant alleles, 5 heterozygotes.
Comment: This missense variant replaces glutamic acid with lysine at codon 683 of the DSP protein. Computational prediction is inconclusive regarding the impact of this variant on protein structure and function (internally defined REVEL score threshold 0.5 < inconclusive < 0.7, PMID: 27666373). To our knowledge, functional studies have not been reported for this variant. This variant has not been reported in individuals affected with cardiovascular disorders in the literature. This variant has been identified in 4/251168 chromosomes in the general population by the Genome Aggregation Database (gnomAD). The available evidence is insufficient to determine the role of this variant in disease conclusively. Therefore, this variant is classified as a Variant of Uncertain Significance.

This study involves interpretation of variants in research participants for the purpose of population health screening. Participant phenotype was not available at the time of variant classification. Additional details can be found in publication PMID: 35346344, PMCID: PMC8962531

Blueprint Genetics
Classification: Uncertain significance. Last evaluated: 2023-06-02. Review status: criteria provided, single submitter. Criteria: ACMG Guidelines, 2015. Collection method: clinical testing. Allele origin: germline.

Ambry Genetics
Classification: Uncertain significance for Cardiovascular phenotype. Last evaluated: 2021-01-08. Review status: criteria provided, single submitter. Criteria: Ambry Variant Classification Scheme 2023. Collection method: clinical testing. Allele origin: germline.
Comment: The p.E683K variant (also known as c.2047G>A), located in coding exon 15 of the DSP gene, results from a G to A substitution at nucleotide position 2047. The glutamic acid at codon 683 is replaced by lysine, an amino acid with similar properties. This amino acid position is highly conserved in available vertebrate species. In addition, the in silico prediction for this alteration is inconclusive. Since supporting evidence is limited at this time, the clinical significance of this alteration remains unclear.